The following is an entry in ClinVar:

ClinVar aggregate classification (germline): Benign/Likely benign. Review status: criteria provided, multiple submitters, no conflicts (2 of 4 stars). 13 submissions from 13 submitters: Benign (4); Likely benign (6). 3 of the submissions do not count toward it. Last evaluated 2026-09-01.

Conditions:
Early-infantile DEE. Also called: Ohtahara syndrome; Early infantile epileptic encephalopathy with suppression bursts; Early infantile epileptic encephalopathy. Identifiers: Orphanet 1934, MedGen C0393706, MONDO:0800491.
Inborn genetic diseases. Identifiers: MedGen C0950123, MeSH D030342.
Developmental and epileptic encephalopathy, 13 (DEE13). Also called: Early infantile epileptic encephalopathy 13; Developmental and Epileptic Encephalopathy (SCN8A-DEE); SCN8A-Related Epilepsy. Identifiers: Orphanet 442835, MedGen C3281191, MONDO:0013801, OMIM 614558.

Allele frequency attached by ClinVar (database versions not stated): gnomAD exomes 0.00180 and 0.00211; TOPMed 0.00134; ESP Exome Variant Server 0.00158; ExAC 0.00390; gnomAD 0.00132 and 0.00136; 1000 Genomes Project 0.00080; 1000 Genomes Project 30x 0.00094.
gnomAD v4.1: 2,570 of 1,254,198 alleles (0.2%); highest among the groups gnomAD compares: Non-Finnish European, 0.22%; 2 homozygotes.

Submissions (13):

CeGaT Center for Human Genetics Tuebingen
Classification: Likely benign. Last evaluated: 2026-09-01. Review status: criteria provided, single submitter. Criteria: CeGaT Center For Human Genetics Tuebingen Variant Classification Criteria Version 2. Collection method: clinical testing. Allele origin: germline. Affected: yes. Observed: 17 variant alleles.
Comment: SCN8A: BP4, BS1

Labcorp Genetics (formerly Invitae), Labcorp
Classification: Benign for Early-infantile DEE. Last evaluated: 2026-02-02. Review status: criteria provided, single submitter. Criteria: Invitae Variant Classification Sherloc (09022015). Collection method: clinical testing. Allele origin: germline.

Blueprint Genetics
Classification: Likely benign. Last evaluated: 2024-11-25. Review status: criteria provided, single submitter. Criteria: ACMG Guidelines, 2015. Collection method: clinical testing. Allele origin: germline.

Mayo Clinic Laboratories, Mayo Clinic
Classification: Benign. Last evaluated: 2023-09-13. Review status: criteria provided, single submitter. Criteria: ACMG Guidelines, 2015. Collection method: clinical testing. Allele origin: germline. Observed: 7 variant alleles.
Comment: BA1, BS2, BP4, BP7

Mendelics
Classification: Likely benign for Developmental and epileptic encephalopathy, 13. Last evaluated: 2019-05-28. Review status: criteria provided, single submitter. Criteria: Mendelics Assertion Criteria 2017. Collection method: clinical testing. Allele origin: unknown.

Eurofins Ntd Llc (ga)
Classification: Likely benign. Last evaluated: 2018-01-16. Review status: criteria provided, single submitter. Criteria: EGL Classification Definitions 2015. Collection method: clinical testing. Allele origin: germline. Observed: 1 variant allele, 1 heterozygote.

Athena Diagnostics
Classification: Benign. Last evaluated: 2017-12-27. Review status: criteria provided, single submitter. Criteria: Athena Diagnostics Criteria. Collection method: clinical testing. Allele origin: germline.

Ambry Genetics
Classification: Likely benign for Inborn genetic diseases. Last evaluated: 2016-10-12. Review status: criteria provided, single submitter. Criteria: Ambry Variant Classification Scheme 2023. Collection method: clinical testing. Allele origin: germline.

GeneDx
Classification: Benign. Last evaluated: 2014-02-10. Review status: criteria provided, single submitter. Criteria: GeneDx Variant Classification (06012015). Collection method: clinical testing. Allele origin: germline. Affected: yes.
Comment: This variant is considered likely benign or benign based on one or more of the following criteria: it is a conservative change, it occurs at a poorly conserved position in the protein, it is predicted to be benign by multiple in silico algorithms, and/or has population frequency not consistent with disease.

Breakthrough Genomics
Classification: Likely benign. Review status: criteria provided, single submitter. Criteria: ACMG Guidelines, 2015. Collection method: not provided. Allele origin: germline. Inheritance: Autosomal dominant inheritance. Affected: yes.

Clinical Genetics DNA and cytogenetics Diagnostics Lab, Erasmus MC, Erasmus Medical Center
Classification: Likely benign. Review status: no assertion criteria provided. Collection method: clinical testing. Allele origin: germline. Affected: yes. Study: VKGL Data-share Consensus. Not counted in ClinVar's aggregate classification.

Diagnostic Laboratory, Department of Genetics, University Medical Center Groningen
Classification: Benign. Review status: no assertion criteria provided. Collection method: clinical testing. Allele origin: germline. Affected: yes. Study: VKGL Data-share Consensus. Not counted in ClinVar's aggregate classification.

Joint Genome Diagnostic Labs from Nijmegen and Maastricht, Radboudumc and MUMC+
Classification: Likely benign. Review status: no assertion criteria provided. Collection method: clinical testing. Allele origin: germline. Affected: yes. Study: VKGL Data-share Consensus. Not counted in ClinVar's aggregate classification.

NM_001330260.2(SCN8A):c.3822C>T (p.Val1274=)

Gene: SCN8A (sodium voltage-gated channel alpha subunit 8; plus strand). Cytogenetic location: 12q13.13.
Variant type: single nucleotide variant.
Coding change: c.3822C>T on transcript NM_001330260.2 (MANE Select); coding-DNA position 3822, C replaced by T.
Protein change: p.Val1274=; no amino-acid change (valine 1274 retained).
Molecular consequence: synonymous variant. On other transcripts: intron variant (2).
Genome position (GRCh38, 1-based): chr12:51,780,651, C>T. VCF-style: chr12-51780651-C-T. GRCh37 (hg19) VCF-style: chr12-52174435-C-T.
Other names: p.V1274V:GTC>GTT; p.Val1274=; c.3822C>T, p.Val1274= (NM_014191.4); c.3820-5891C>T (NM_001177984.3, NM_001369788.1).
Identifiers: ClinVar variation 139072 (VCV000139072.94), dbSNP rs187327463, ClinGen allele CA293424.